The following is an entry in ClinVar:

ClinVar aggregate classification (germline): Likely benign (0 of 4 stars; one submission).

Conditions:
INIP-related disorder. Also called: INIP-related condition.

Allele frequency attached by ClinVar (database versions not stated): gnomAD exomes 0.00029; ExAC 0.00119; gnomAD 0.00292; TOPMed 0.00330; 1000 Genomes Project 0.00359; ESP Exome Variant Server 0.00392; 1000 Genomes Project 30x 0.00453.
gnomAD v4.1: 887 of 1,613,150 alleles (0.055%); highest among the groups gnomAD compares: African/African-American, 1%; 6 homozygotes.

Submission:

PreventionGenetics, part of Exact Sciences
Classification: Likely benign for INIP-related condition. Last evaluated: 2019-03-18. Review status: no assertion criteria provided. Collection method: clinical testing. Allele origin: germline.
Comment: This variant is classified as likely benign based on ACMG/AMP sequence variant interpretation guidelines (Richards et al. 2015 PMID: 25741868, with internal and published modifications).

NM_021218.3(INIP):c.219+7A>G

Gene: INIP (INTS3 and NABP interacting protein; minus strand). Cytogenetic location: 9q32.
Variant type: single nucleotide variant.
Coding change: c.219+7A>G on transcript NM_021218.3 (MANE Select); 7 bases into the intron after coding-DNA position 219, A replaced by G.
Molecular consequence: intron variant.
Genome position (GRCh38, 1-based): chr9:112,689,520, T>C on the plus strand (A>G on the coding strand, the complement: INIP is on the minus strand). VCF-style: chr9-112689520-T-C. GRCh37 (hg19) VCF-style: chr9-115451800-T-C.
Other names: c.129+7A>G (NM_001329589.2, NM_001329590.2, NM_001329588.2); c.116+7A>G (NM_001329587.2); c.129-1887A>G (NM_001329586.2); c.210+7A>G (NM_001329585.2).
Identifiers: ClinVar variation 3035270 (VCV003035270.2), dbSNP rs150494593, ClinGen allele CA5191739.